The following is an entry in ClinVar:

ClinVar aggregate classification (germline): Uncertain significance (1 of 4 stars; one submission).

Conditions:
Inborn genetic diseases. Identifiers: MedGen C0950123, MeSH D030342.

Allele frequency attached by ClinVar (database versions not stated): TOPMed 0.00001.

Submission:

Ambry Genetics
Classification: Uncertain significance for Inborn genetic diseases. Last evaluated: 2024-02-04. Review status: criteria provided, single submitter. Criteria: Ambry Variant Classification Scheme 2023. Collection method: clinical testing. Allele origin: germline.
Comment: The p.I250L variant (also known as c.748A>C), located in coding exon 9 of the ACADM gene, results from an A to C substitution at nucleotide position 748. The isoleucine at codon 250 is replaced by leucine, an amino acid with highly similar properties. This amino acid position is conserved. In addition, the in silico prediction for this alteration is inconclusive. Based on the available evidence, the clinical significance of this alteration remains unclear.

NM_000016.6(ACADM):c.748A>C (p.Ile250Leu)

Gene: ACADM (acyl-CoA dehydrogenase medium chain; plus strand). Cytogenetic location: 1p31.1.
Variant type: single nucleotide variant.
Coding change: c.748A>C on transcript NM_000016.6 (MANE Select); coding-DNA position 748, A replaced by C.
Protein change: p.Ile250Leu; replaces isoleucine 250 with leucine.
Molecular consequence: missense variant.
Genome position (GRCh38, 1-based): chr1:75,749,458, A>C. VCF-style: chr1-75749458-A-C. GRCh37 (hg19) VCF-style: chr1-76215143-A-C.
Other names: c.760A>C, p.Ile254Leu (NM_001127328.3); c.640A>C, p.Ile214Leu (NM_001286042.2); c.847A>C, p.Ile283Leu (NM_001286043.2); c.181A>C, p.Ile61Leu (NM_001286044.2); short protein forms I214L, I250L, I254L, I283L, I61L.
Identifiers: ClinVar variation 3230271 (VCV003230271.1), dbSNP rs1419420576, ClinGen allele CA340816585.